The following is an entry in ClinVar:

NM_004183.4(BEST1):c.436G>A (p.Ala146Thr)

Gene: BEST1 (bestrophin 1; plus strand). Cytogenetic location: 11q12.3.
Variant type: single nucleotide variant.
Coding change: c.436G>A on transcript NM_004183.4 (MANE Select); coding-DNA position 436, G replaced by A.
Protein change: p.Ala146Thr; replaces alanine 146 with threonine.
Molecular consequence: missense variant. On other transcripts: non-coding transcript variant (1).
Genome position (GRCh38, 1-based): chr11:61,955,906, G>A. VCF-style: chr11-61955906-G-A. GRCh37 (hg19) VCF-style: chr11-61723378-G-A.
Other names: c.256G>A, p.Ala86Thr (NM_001300787.2, NM_001139443.3, NM_001300786.2); c.118G>A, p.Ala40Thr (NM_001363591.3); c.436G>A, p.Ala146Thr (NM_001363592.2); c.-740G>A (NM_001363593.3); short protein forms A146T, A40T, A86T.
Identifiers: ClinVar variation 1425571 (VCV001425571.10), dbSNP rs1237501081, ClinGen allele CA380835321.

ClinVar aggregate classification (germline): Conflicting classifications of pathogenicity. Review status: criteria provided, conflicting classifications (1 of 4 stars). 2 submissions from 2 submitters: Likely pathogenic (1); Uncertain significance (1). Last evaluated 2025-12-05.

gnomAD v4.1: 14 of 1,550,334 alleles (0.0009%); highest among the groups gnomAD compares: Admixed American, 0.002%; no homozygotes.

Submissions (2):

Dasa
Classification: Likely pathogenic. Last evaluated: 2025-12-05. Review status: criteria provided, single submitter. Criteria: DASA Assertion Criteria. Collection method: clinical testing. Allele origin: germline.
Comment: NM_004183.4(BEST1):c.436G>A (p.Ala146Thr) is a missense variant that results in the substitution of alanine with threonine. The affected residue or protein region has prior evidence supporting clinical relevance. Functional evidence supports an impact on the gene or gene product (PMID: 32507900; PMID: 30498755; PMID: 21072067; PMID: 26771239). Also, this variant is rare in population databases. Computational evidence supports a deleterious effect. Based on the currently available evidence, this variant is classified as likely pathogenic.

Labcorp Genetics (formerly Invitae), Labcorp
Classification: Uncertain significance. Last evaluated: 2025-09-04. Review status: criteria provided, single submitter. Criteria: Invitae Variant Classification Sherloc (09022015). Collection method: clinical testing. Allele origin: germline.
Comment: This sequence change replaces alanine, which is neutral and non-polar, with threonine, which is neutral and polar, at codon 146 of the BEST1 protein (p.Ala146Thr). The frequency data for this variant in the population databases is considered unreliable, as metrics indicate poor data quality at this position in the gnomAD database. This missense change has been observed in individual(s) with autosomal recessive bestrophinopathy and/or macular dystrophy (PMID: 30498755, 35260635). In at least one individual the data is consistent with being in trans (on the opposite chromosome) from a pathogenic variant. ClinVar contains an entry for this variant (Variation ID: 1425571). Invitae Evidence Modeling of protein sequence and biophysical properties (such as structural, functional, and spatial information, amino acid conservation, physicochemical variation, residue mobility, and thermodynamic stability) indicates that this missense variant is expected to disrupt BEST1 protein function with a positive predictive value of 95%. Experimental studies have shown that this missense change affects BEST1 function (PMID: 30222024). In summary, the available evidence is currently insufficient to determine the role of this variant in disease. Therefore, it has been classified as a Variant of Uncertain Significance.

Literature cited by the submitters: PubMed 32507900 (cited by Dasa); PubMed 30498755 (cited by Dasa and Labcorp Genetics (formerly Invitae), Labcorp); PubMed 21072067 (cited by Dasa); PubMed 26771239 (cited by Dasa); PubMed 35260635 (cited by Labcorp Genetics (formerly Invitae), Labcorp); PubMed 30222024 (cited by Labcorp Genetics (formerly Invitae), Labcorp).